The following is an entry in ClinVar:

ClinVar aggregate classification (germline): Conflicting classifications of pathogenicity. Review status: criteria provided, conflicting classifications (1 of 4 stars). 4 submissions from 4 submitters: Uncertain significance (3); Likely benign (1). Last evaluated 2026-01-15.

Conditions:
Inborn genetic diseases. Identifiers: MedGen C0950123, MeSH D030342.
Multiple congenital anomalies-hypotonia-seizures syndrome 3 (MCAHS3). Also called: GLYCOSYLPHOSPHATIDYLINOSITOL BIOSYNTHESIS DEFECT 7. Identifiers: Orphanet 369837, MedGen C3809356, MONDO:0014165, OMIM 615398.

Allele frequency attached by ClinVar (database versions not stated): TOPMed 0.00004; gnomAD 0.00010; 1000 Genomes Project 0.00020; 1000 Genomes Project 30x 0.00031.
gnomAD v4.1: 135 of 1,579,768 alleles (0.0085%); highest among the groups gnomAD compares: South Asian, 0.07%; 1 homozygote.

Submissions (4):

Labcorp Genetics (formerly Invitae), Labcorp
Classification: Likely benign for Multiple congenital anomalies-hypotonia-seizures syndrome 3. Last evaluated: 2026-01-15. Review status: criteria provided, single submitter. Criteria: Invitae Variant Classification Sherloc (09022015). Collection method: clinical testing. Allele origin: germline.

Ambry Genetics
Classification: Uncertain significance for Inborn genetic diseases. Last evaluated: 2024-10-25. Review status: criteria provided, single submitter. Criteria: Ambry Variant Classification Scheme 2023. Collection method: clinical testing. Allele origin: germline.

GeneDx
Classification: Uncertain significance. Last evaluated: 2023-10-06. Review status: criteria provided, single submitter. Criteria: GeneDx Variant Classification Process June 2021. Collection method: clinical testing. Allele origin: germline. Affected: yes.
Comment: In silico analysis supports that this missense variant does not alter protein structure/function; Has not been previously published as pathogenic or benign to our knowledge

CeGaT Center for Human Genetics Tuebingen
Classification: Uncertain significance. Last evaluated: 2018-04-01. Review status: criteria provided, single submitter. Criteria: CeGaT Center For Human Genetics Tuebingen Variant Classification Criteria Version 2. Collection method: clinical testing. Allele origin: germline. Affected: yes. Observed: 1 variant allele.

NM_015937.6(PIGT):c.22G>T (p.Ala8Ser)

Gene: PIGT (phosphatidylinositol glycan anchor biosynthesis class T; plus strand). Cytogenetic location: 20q13.12.
Variant type: single nucleotide variant.
Coding change: c.22G>T on transcript NM_015937.6 (MANE Select); coding-DNA position 22, G replaced by T.
Protein change: p.Ala8Ser; replaces alanine 8 with serine.
Molecular consequence: missense variant. On other transcripts: non-coding transcript variant (5).
Genome position (GRCh38, 1-based): chr20:45,416,178, G>T. VCF-style: chr20-45416178-G-T. GRCh37 (hg19) VCF-style: chr20-44044818-G-T.
Other names: c.22G>T, p.Ala8Ser (NM_001184728.3, NM_001184729.3, NM_001184730.3); c.22G>T (NM_015937.4); short protein forms A8S.
Identifiers: ClinVar variation 580412 (VCV000580412.49), dbSNP rs569386009, ClinGen allele CA9877756.